The following is an entry in ClinVar:

NM_005045.4(RELN):c.3921A>G (p.Ile1307Met)

Gene: RELN (reelin; minus strand). Cytogenetic location: 7q22.1.
Variant type: single nucleotide variant.
Coding change: c.3921A>G on transcript NM_005045.4 (MANE Select); coding-DNA position 3921, A replaced by G.
Protein change: p.Ile1307Met; replaces isoleucine 1307 with methionine.
Molecular consequence: missense variant.
Genome position (GRCh38, 1-based): chr7:103,589,820, T>C on the plus strand (A>G on the coding strand, the complement: RELN is on the minus strand). VCF-style: chr7-103589820-T-C. GRCh37 (hg19) VCF-style: chr7-103230267-T-C.
Other names: c.3921A>G, p.Ile1307Met (NM_173054.3); short protein forms I1307M.
Identifiers: ClinVar variation 4795027 (VCV004795027.1).

ClinVar aggregate classification (germline): Uncertain significance (1 of 4 stars; one submission).

Conditions:
Norman-Roberts syndrome (LIS2). Also called: Lissencephaly 2 (Norman-Roberts type). Identifiers: Orphanet 89844, MedGen C0796089, MONDO:0009760, OMIM 257320.
Familial temporal lobe epilepsy 7. Identifiers: Orphanet 101046, MedGen C4225327, MONDO:0014639, OMIM 616436.

Submission:

Labcorp Genetics (formerly Invitae), Labcorp
Classification: Uncertain significance for Familial temporal lobe epilepsy 7; Norman-Roberts syndrome. Last evaluated: 2026-01-21. Review status: criteria provided, single submitter. Criteria: Invitae Variant Classification Sherloc (09022015). Collection method: clinical testing. Allele origin: germline.
Comment: This sequence change replaces isoleucine, which is neutral and non-polar, with methionine, which is neutral and non-polar, at codon 1307 of the RELN protein (p.Ile1307Met). This variant is present in population databases (rs773129420, gnomAD 0.006%). This variant has not been reported in the literature in individuals affected with RELN-related conditions. Invitae Evidence Modeling of protein sequence and biophysical properties (such as structural, functional, and spatial information, amino acid conservation, physicochemical variation, residue mobility, and thermodynamic stability) indicates that this missense variant is not expected to disrupt RELN protein function with a negative predictive value of 80%. In summary, the available evidence is currently insufficient to determine the role of this variant in disease. Therefore, it has been classified as a Variant of Uncertain Significance.